The following is an entry in ClinVar:

ClinVar aggregate classification (germline): Uncertain significance (1 of 4 stars; one submission).

Submission:

GeneDx
Classification: Uncertain significance. Last evaluated: 2023-07-05. Review status: criteria provided, single submitter. Criteria: GeneDx Variant Classification Process June 2021. Collection method: clinical testing. Allele origin: germline. Affected: yes.
Comment: Not observed at significant frequency in large population cohorts (gnomAD); In silico analysis supports that this missense variant does not alter protein structure/function; Has not been previously published as pathogenic or benign to our knowledge

NM_170606.3(KMT2C):c.2171A>C (p.Lys724Thr)

Gene: KMT2C (lysine methyltransferase 2C; minus strand). Cytogenetic location: 7q36.1.
Variant type: single nucleotide variant.
Coding change: c.2171A>C on transcript NM_170606.3 (MANE Select); coding-DNA position 2171, A replaced by C.
Protein change: p.Lys724Thr; replaces lysine 724 with threonine.
Molecular consequence: missense variant.
Genome position (GRCh38, 1-based): chr7:152,248,263, T>G on the plus strand (A>C on the coding strand, the complement: KMT2C is on the minus strand). VCF-style: chr7-152248263-T-G. GRCh37 (hg19) VCF-style: chr7-151945348-T-G.
Other names: short protein forms K724T.
Identifiers: ClinVar variation 3360646 (VCV003360646.1).